The following is an entry in ClinVar:

NM_138773.4(SLC25A46):c.32G>A (p.Gly11Asp)

Gene: SLC25A46 (solute carrier family 25 member 46; plus strand). Cytogenetic location: 5q22.1.
Variant type: single nucleotide variant.
Coding change: c.32G>A on transcript NM_138773.4 (MANE Select); coding-DNA position 32, G replaced by A.
Protein change: p.Gly11Asp; replaces glycine 11 with aspartic acid.
Molecular consequence: missense variant. On other transcripts: non-coding transcript variant (1), intron variant (1).
Genome position (GRCh38, 1-based): chr5:110,739,151, G>A. VCF-style: chr5-110739151-G-A. GRCh37 (hg19) VCF-style: chr5-110074852-G-A.
Other names: c.32G>A, p.Gly11Asp (NM_001303249.3); c.10+904G>A (NM_001303250.3); short protein forms G11D.
Identifiers: ClinVar variation 1018323 (VCV001018323.9), dbSNP rs1187287545, ClinGen allele CA360693004.

ClinVar aggregate classification (germline): Uncertain significance (1 of 4 stars; one submission).

Conditions:
Neuropathy, hereditary motor and sensory, type 6B (HMSN6B). Also called: HMSN VIB; CHARCOT-MARIE-TOOTH DISEASE, TYPE 6B; Neuropathy, hereditary motor and sensory, type VIB; NEUROPATHY, HEREDITARY MOTOR AND SENSORY, TYPE VIB, WITH OPTIC ATROPHY. Identifiers: MedGen C4225302, MONDO:0014671, OMIM 616505.

Submission:

Labcorp Genetics (formerly Invitae), Labcorp
Classification: Uncertain significance for Neuropathy, hereditary motor and sensory, type 6B. Last evaluated: 2020-05-26. Review status: criteria provided, single submitter. Criteria: Invitae Variant Classification Sherloc (09022015). Collection method: clinical testing. Allele origin: germline.
Comment: This sequence change replaces glycine with aspartic acid at codon 11 of the SLC25A46 protein (p.Gly11Asp). The glycine residue is moderately conserved and there is a moderate physicochemical difference between glycine and aspartic acid. In summary, the available evidence is currently insufficient to determine the role of this variant in disease. Therefore, it has been classified as a Variant of Uncertain Significance. Algorithms developed to predict the effect of missense changes on protein structure and function are either unavailable or do not agree on the potential impact of this missense change (SIFT: "Tolerated"; PolyPhen-2: "Probably Damaging"; Align-GVGD: "Class C0"). This variant has not been reported in the literature in individuals with SLC25A46-related conditions. This variant is not present in population databases (ExAC no frequency).